The following is an entry in ClinVar:

ClinVar aggregate classification (germline): Likely pathogenic. Review status: criteria provided, single submitter (1 of 4 stars). 2 submissions from 2 submitters: Likely pathogenic (1). 1 of the submissions does not count toward it. Last evaluated 2023-02-15.

Conditions:
Autosomal dominant Alport syndrome (ATS3A). Also called: ALPORT SYNDROME 3A, AUTOSOMAL DOMINANT; Alport syndrome dominant type; Renal failure and sensorineural hearing loss. Identifiers: Orphanet 63, Orphanet 88918, MedGen C5882663, MONDO:0007086, OMIM 104200.

Submissions (2):

GeneDx
Classification: Likely pathogenic. Last evaluated: 2023-02-15. Review status: criteria provided, single submitter. Criteria: GeneDx Variant Classification Process June 2021. Collection method: clinical testing. Allele origin: germline. Affected: yes.
Comment: Reported in a patient with hematuria and family history of Alport syndrome in published literature (Weber et al., 2016); Frameshift variant predicted to result in protein truncation, as the last 84 amino acids are replaced with 48 different amino acids, and other loss-of-function variants have been reported downstream in HGMD; Not observed at significant frequency in large population cohorts (gnomAD); This variant is associated with the following publications: (PMID: 26809805)

Bioscientia Institut fuer Medizinische Diagnostik GmbH, Sonic Healthcare
Classification: Pathogenic for Autosomal dominant Alport syndrome. Last evaluated: 2018-03-05. Review status: no assertion criteria provided. Collection method: clinical testing. Allele origin: germline. Affected: yes. Not counted in ClinVar's aggregate classification.

NM_000092.5(COL4A4):c.4820del (p.Ala1607fs)

Gene: COL4A4 (collagen type IV alpha 4 chain; minus strand). Cytogenetic location: 2q36.3.
Variant type: Deletion.
Coding change: c.4820del on transcript NM_000092.5 (MANE Select); coding-DNA position 4820, one base deleted (C; older notation c.4820delC).
Protein change: p.Ala1607fs; shifts the reading frame from alanine 1607.
Molecular consequence: frameshift variant.
Genome position (GRCh38, 1-based): chr2:227,007,578, G deleted on the plus strand (C on the coding strand, the reverse complement: COL4A4 is on the minus strand). VCF-style (leftmost placement, unchanged base first): chr2-227007577-AG-A. GRCh37 (hg19) VCF-style: chr2-227872293-AG-A.
Other names: short protein forms A1607fs.
Identifiers: ClinVar variation 599086 (VCV000599086.3), dbSNP rs1559394354, ClinGen allele CA913189803.